The following is an entry in ClinVar:

ClinVar aggregate classification (germline): Uncertain significance (1 of 4 stars; one submission).

Submission:

GeneDx
Classification: Uncertain significance. Last evaluated: 2025-03-12. Review status: criteria provided, single submitter. Criteria: GeneDx Variant Classification Process June 2021. Collection method: clinical testing. Allele origin: germline.
Comment: Not observed at significant frequency in large population cohorts (gnomAD); In silico analysis supports a deleterious effect on protein structure/function; Has not been previously published as pathogenic or benign to our knowledge

NM_002529.4(NTRK1):c.1040_1041delinsCT (p.Arg347Pro)

Gene: NTRK1 (neurotrophic receptor tyrosine kinase 1; plus strand). Cytogenetic location: 1q23.1.
Variant type: Indel.
Coding change: c.1040_1041delinsCT on transcript NM_002529.4 (MANE Select); coding-DNA positions 1040 to 1041, GC replaced by CT.
Protein change: p.Arg347Pro; replaces arginine 347 with proline.
Molecular consequence: missense variant.
Genome position (GRCh38, 1-based): chr1:156,873,822-156,873,823, GC replaced by CT. VCF-style: chr1-156873822-GC-CT. GRCh37 (hg19) VCF-style: chr1-156843614-GC-CT.
Other names: c.1040_1041delGCinsCT, p.Arg347Pro (NM_001007204.1, NM_001012331.1); c.950_951delinsCT, p.Arg317Pro (NM_001007792.1); c.1040_1041delinsCT, p.Arg347Pro (NM_001012331.2); short protein forms R317P, R347P.
Identifiers: ClinVar variation 2430985 (VCV002430985.2), dbSNP rs2525615839, ClinGen allele CA2580061212.